The following is an entry in ClinVar:

NM_001365308.1(BMPER):c.1663C>T (p.Arg555Trp)

Gene: BMPER (BMP binding endothelial regulator; plus strand). Cytogenetic location: 7p14.3.
Variant type: single nucleotide variant.
Coding change: c.1663C>T on transcript NM_001365308.1 (MANE Select); coding-DNA position 1663, C replaced by T.
Protein change: p.Arg555Trp; replaces arginine 555 with tryptophan.
Molecular consequence: missense variant.
Genome position (GRCh38, 1-based): chr7:34,086,010, C>T. VCF-style: chr7-34086010-C-T. GRCh37 (hg19) VCF-style: chr7-34125622-C-T.
Other names: c.1663C>T, p.Arg555Trp (NM_133468.5); short protein forms R555W.
Identifiers: ClinVar variation 360113 (VCV000360113.51), dbSNP rs10249320, ClinGen allele CA4215449.

ClinVar aggregate classification (germline): Benign/Likely benign. Review status: criteria provided, multiple submitters, no conflicts (2 of 4 stars). 7 submissions from 7 submitters: Benign (1); Likely benign (3). 3 of the submissions do not count toward it. Last evaluated 2026-07-01.

Conditions:
BMPER-related disorder. Also called: BMPER-related condition.
Diaphanospondylodysostosis. Also called: VERTEBRAL OSSIFICATION, DEFECT IN, WITH NEPHROGENIC RESTS. Identifiers: Orphanet 66637, MedGen C1842691, MONDO:0011946, OMIM 608022.

Allele frequency attached by ClinVar (database versions not stated): 1000 Genomes Project 0.00180; 1000 Genomes Project 30x 0.00234; ExAC 0.00490; gnomAD exomes 0.00517 and 0.00847; gnomAD 0.00529 and 0.00549; TOPMed 0.00557; ESP Exome Variant Server 0.00715.
gnomAD v4.1: 13,136 of 1,614,032 alleles (0.81%); highest among the groups gnomAD compares: Non-Finnish European, 1%; 61 homozygotes.

Submissions (7):

CeGaT Center for Human Genetics Tuebingen
Classification: Likely benign. Last evaluated: 2026-07-01. Review status: criteria provided, single submitter. Criteria: CeGaT Center For Human Genetics Tuebingen Variant Classification Criteria Version 2. Collection method: clinical testing. Allele origin: germline. Affected: yes. Observed: 10 variant alleles.
Comment: BMPER: BS2

Labcorp Genetics (formerly Invitae), Labcorp
Classification: Benign. Last evaluated: 2026-01-18. Review status: criteria provided, single submitter. Criteria: Invitae Variant Classification Sherloc (09022015). Collection method: clinical testing. Allele origin: germline.

Illumina Laboratory Services, Illumina
Classification: Likely benign for Diaphanospondylodysostosis. Last evaluated: 2018-01-13. Review status: criteria provided, single submitter. Criteria: ICSL Variant Classification Criteria 13 December 2019. Collection method: clinical testing. Allele origin: germline.
Comment: This variant was observed in the ICSL laboratory as part of a predisposition screen in an ostensibly healthy population. It had not been previously curated by ICSL or reported in the Human Gene Mutation Database (HGMD: prior to June 1st, 2018), and was therefore a candidate for classification through an automated scoring system. Utilizing variant allele frequency, disease prevalence and penetrance estimates, and inheritance mode, an automated score was calculated to assess if this variant is too frequent to cause the disease. Based on the score and internal cut-off values, a variant classified as likely benign is not then subjected to further curation. The score for this variant resulted in a classification of likely benign for this disease.

Breakthrough Genomics
Classification: Likely benign. Review status: criteria provided, single submitter. Criteria: ACMG Guidelines, 2015. Collection method: not provided. Allele origin: germline. Inheritance: Autosomal recessive inheritance. Affected: yes.

PreventionGenetics, part of Exact Sciences
Classification: Likely benign for BMPER-related condition. Last evaluated: 2019-05-03. Review status: no assertion criteria provided. Collection method: clinical testing. Allele origin: germline. Not counted in ClinVar's aggregate classification.
Comment: This variant is classified as likely benign based on ACMG/AMP sequence variant interpretation guidelines (Richards et al. 2015 PMID: 25741868, with internal and published modifications).

Clinical Genetics DNA and cytogenetics Diagnostics Lab, Erasmus MC, Erasmus Medical Center
Classification: Likely benign. Review status: no assertion criteria provided. Collection method: clinical testing. Allele origin: germline. Affected: yes. Study: VKGL Data-share Consensus. Not counted in ClinVar's aggregate classification.

Laboratory of Diagnostic Genome Analysis, Leiden University Medical Center (LUMC)
Classification: Likely benign. Review status: no assertion criteria provided. Collection method: clinical testing. Allele origin: germline. Affected: yes. Study: VKGL Data-share Consensus. Not counted in ClinVar's aggregate classification.